The following is an entry in ClinVar:

NM_144596.4(TTC8):c.114+10A>G

Gene: TTC8 (tetratricopeptide repeat domain 8; plus strand). Cytogenetic location: 14q31.3.
Variant type: single nucleotide variant.
Coding change: c.114+10A>G on transcript NM_144596.4 (MANE Select); 10 bases into the intron after coding-DNA position 114, A replaced by G.
Molecular consequence: intron variant.
Genome position (GRCh38, 1-based): chr14:88,824,831, A>G. VCF-style: chr14-88824831-A-G. GRCh37 (hg19) VCF-style: chr14-89291175-A-G.
Other names: c.-449+10A>G (NM_001288782.1); c.114+10A>G (NM_001288781.1, NM_198309.3, NM_198310.3 and 2 more transcripts); c.-544+10A>G (NM_001288783.1).
Identifiers: ClinVar variation 3356186 (VCV003356186.1).
Genomic context (GRCh38, chr14:88,824,831, plus strand): 5'-CTCTGCGCCGATCTATGCACGCAGATGCTGGAGAAGTCCCCTTATGACCAGGTACCGGCC[A>G]GCTCCCGTCAGCCTGTGCATCCTGACGCTGAGGCTGCGGGGTCTGGGGCATATCCCAGCC-3'

ClinVar aggregate classification (germline): Uncertain significance (0 of 4 stars; one submission).

Conditions:
TTC8-related disorder. Also called: TTC8-related condition.

gnomAD v4.1: 5 of 1,605,742 alleles (0.00031%); highest among the groups gnomAD compares: African/African-American, 0.0053%; no homozygotes.

Submission:

PreventionGenetics, part of Exact Sciences
Classification: Uncertain significance for TTC8-related condition. Last evaluated: 2024-09-02. Review status: no assertion criteria provided. Collection method: clinical testing. Allele origin: germline.
Comment: The TTC8 c.114+10A>G variant is predicted to interfere with splicing. To our knowledge, this variant has not been reported in the literature. This variant is reported in 0.0067% of alleles in individuals of African descent in gnomAD. However, the use of computer prediction programs is not equivalent to functional evidence, and therefore the clinical significance of this variant is uncertain.